The following is an entry in ClinVar:

NM_000135.4(FANCA):c.1438C>G (p.Leu480Val)

Gene: FANCA (FA complementation group A; minus strand). Cytogenetic location: 16q24.3.
Variant type: single nucleotide variant.
Coding change: c.1438C>G on transcript NM_000135.4 (MANE Select); coding-DNA position 1438, C replaced by G.
Protein change: p.Leu480Val; replaces leucine 480 with valine.
Molecular consequence: missense variant.
Genome position (GRCh38, 1-based): chr16:89,784,886, G>C on the plus strand (C>G on the coding strand, the complement: FANCA is on the minus strand). VCF-style: chr16-89784886-G-C. GRCh37 (hg19) VCF-style: chr16-89851294-G-C.
Other names: c.1438C>G, p.Leu480Val (NM_001286167.3); short protein forms L480V.
Identifiers: ClinVar variation 3512684 (VCV003512684.1).

ClinVar aggregate classification (germline): Uncertain significance (1 of 4 stars; one submission).

Conditions:
Inborn genetic diseases. Identifiers: MedGen C0950123, MeSH D030342.

gnomAD v4.1: 1 of 1,614,068 alleles (0.000062%); highest among the groups gnomAD compares: Non-Finnish European, 0.000085%; no homozygotes.

Submission:

Ambry Genetics
Classification: Uncertain significance for Inborn genetic diseases. Last evaluated: 2024-11-28. Review status: criteria provided, single submitter. Criteria: Ambry Variant Classification Scheme 2023. Collection method: clinical testing. Allele origin: germline.
Comment: The p.L480V variant (also known as c.1438C>G), located in coding exon 15 of the FANCA gene, results from a C to G substitution at nucleotide position 1438. The leucine at codon 480 is replaced by valine, an amino acid with highly similar properties. This amino acid position is conserved. In addition, this alteration is predicted to be deleterious by in silico analysis. Based on the available evidence, the clinical significance of this variant remains unclear.